The following is an entry in ClinVar:

NM_139057.4(ADAMTS17):c.*2453C>T

Gene: ADAMTS17 (ADAM metallopeptidase with thrombospondin type 1 motif 17; minus strand). Cytogenetic location: 15q26.3.
Variant type: single nucleotide variant.
Coding change: c.*2453C>T on transcript NM_139057.4 (MANE Select); 2453 bases downstream of the stop codon, C replaced by T.
Molecular consequence: 3 prime UTR variant.
Genome position (GRCh38, 1-based): chr15:99,971,949, G>A on the plus strand (C>T on the coding strand, the complement: ADAMTS17 is on the minus strand). VCF-style: chr15-99971949-G-A. GRCh37 (hg19) VCF-style: chr15-100512154-G-A.
Identifiers: ClinVar variation 886196 (VCV000886196.4), dbSNP rs141023547, ClinGen allele CA275482295.

ClinVar aggregate classification (germline): Benign (1 of 4 stars; one submission).

Conditions:
Weill-Marchesani 4 syndrome, recessive. Also called: Weill-Marchesani syndrome 4. Identifiers: Orphanet 363992, MedGen C2750787, MONDO:0013176, OMIM 613195.

Allele frequency attached by ClinVar (database versions not stated): 1000 Genomes Project 30x 0.00453; 1000 Genomes Project 0.00459; gnomAD 0.00514 and 0.00558; TOPMed 0.00561.

Submission:

Illumina Laboratory Services, Illumina
Classification: Benign for Weill-Marchesani 4 syndrome, recessive. Last evaluated: 2017-05-15. Review status: criteria provided, single submitter. Criteria: ICSL Variant Classification Criteria 13 December 2019. Collection method: clinical testing. Allele origin: germline.
Comment: This variant was observed as part of a predisposition screen in an ostensibly healthy population. A literature search was performed for the gene, cDNA change, and amino acid change (where applicable). No publications were found based on this search. Allele frequency data from public databases was too high to be consistent with this variant causing disease. Therefore, this variant is classified as benign.